The following is an entry in ClinVar:

NM_020937.4(FANCM):c.723C>G (p.Ile241Met)

Gene: FANCM (FA complementation group M; plus strand). Cytogenetic location: 14q21.2.
Variant type: single nucleotide variant.
Coding change: c.723C>G on transcript NM_020937.4 (MANE Select); coding-DNA position 723, C replaced by G.
Protein change: p.Ile241Met; replaces isoleucine 241 with methionine.
Molecular consequence: missense variant. On other transcripts: intron variant (1).
Genome position (GRCh38, 1-based): chr14:45,140,673, C>G. VCF-style: chr14-45140673-C-G. GRCh37 (hg19) VCF-style: chr14-45609876-C-G.
Other names: c.723C>G, p.Ile241Met (NM_001308134.2); c.681+3432C>G (NM_001308133.2); short protein forms I241M.
Identifiers: ClinVar variation 4619467 (VCV004619467.1).
Genomic context (GRCh38, chr14:45,140,673, plus strand): 5'-GAACTTTTTTTTTCTTAAGGTTGTAAGAGAACTAGTCAAATATACAAATCACTTTAGAAT[C>G]TTGGCTCTAAGTGCCACACCAGGTAGTGATATAAAGGTAAGTAAAATGTTTTTCCATTTA-3'
Protein context (NP_065988.1, residues 231-251): ELVKYTNHFR[Ile241Met]LALSATPGSD

ClinVar aggregate classification (germline): Uncertain significance (1 of 4 stars; one submission).

Conditions:
Inborn genetic diseases. Identifiers: MedGen C0950123, MeSH D030342.

Submission:

Ambry Genetics
Classification: Uncertain significance for Inborn genetic diseases. Last evaluated: 2025-10-03. Review status: criteria provided, single submitter. Criteria: Ambry Variant Classification Scheme 2023. Collection method: clinical testing. Allele origin: germline.
Comment: The p.I241M variant (also known as c.723C>G), located in coding exon 3 of the FANCM gene, results from a C to G substitution at nucleotide position 723. The isoleucine at codon 241 is replaced by methionine, an amino acid with highly similar properties. This amino acid position is conserved. In addition, this alteration is predicted to be tolerated by in silico analysis. Based on the available evidence, the clinical significance of this variant remains unclear.